The following is an entry in ClinVar:

NM_007118.4(TRIO):c.4960-4878G>A

Gene: TRIO (trio Rho guanine nucleotide exchange factor; plus strand). Cytogenetic location: 5p15.2.
Variant type: single nucleotide variant.
Coding change: c.4960-4878G>A on transcript NM_007118.4 (MANE Select); 4878 bases into the intron before coding-DNA position 4960, G replaced by A.
Molecular consequence: intron variant.
Genome position (GRCh38, 1-based): chr5:14,414,900, G>A. VCF-style: chr5-14414900-G-A. GRCh37 (hg19) VCF-style: chr5-14415009-G-A.
Identifiers: ClinVar variation 4855777 (VCV004855777.1).

ClinVar aggregate classification (germline): Uncertain significance (1 of 4 stars; one submission).

Conditions:
Intellectual developmental disorder, autosomal dominant 44, with microcephaly. Also called: Micrognathia-recurrent infections-behavioral abnormalities-mild intellectual disability syndrome; TRIO-Related Intellectual Disability. Identifiers: Orphanet 476126, MedGen C4310740, MONDO:0014892, OMIM 617061.

Submission:

3billion
Classification: Uncertain significance for Intellectual developmental disorder, autosomal dominant 44, with microcephaly. Last evaluated: 2025-12-17. Review status: criteria provided, single submitter. Criteria: ACMG Guidelines, 2015. Collection method: clinical testing. Allele origin: germline. Affected: yes.
Comment: The variant is not observed in the gnomAD v4.1.0 dataset. Predicted Consequence/Location: Intron variant In silico tools predict the variant to alter splicing and produce an abnormal transcript [SpliceAI: 0.24 (>=0.2, moderate evidence for spliceogenicity)]. Therefore, this variant is classified as VUS according to the recommendation of ACMG/AMP guideline.